The following is an entry in ClinVar:

ClinVar aggregate classification (germline): Conflicting classifications of pathogenicity. Review status: criteria provided, conflicting classifications (1 of 4 stars). 6 submissions from 6 submitters: Uncertain significance (4); Likely benign (1). 1 of the submissions does not count toward it. Last evaluated 2024-07-24.

Conditions:
Primary ciliary dyskinesia. Also called: Ciliary dyskinesia. Identifiers: Orphanet 244, MedGen C0008780, MONDO:0016575, HP:0012265.
Kartagener syndrome (CILD1). Also called: SIEWERT SYNDROME; Dextrocardia bronchiectasis and sinusitis; CILIARY DYSKINESIA, PRIMARY, 1, WITH OR WITHOUT SITUS INVERSUS; IMMOTILE CILIA SYNDROME; CILIARY DYSKINESIA, PRIMARY, 1; POLYNESIAN BRONCHIECTASIS. Identifiers: Orphanet 244, MedGen C4551906, MONDO:0009484, OMIM 244400.

Allele frequency attached by ClinVar (database versions not stated): gnomAD 0.00013; TOPMed 0.00025; ESP Exome Variant Server 0.00031; ExAC 0.00035; 1000 Genomes Project 0.00040; 1000 Genomes Project 30x 0.00047.

Submissions (6):

Blueprint Genetics
Classification: Uncertain significance. Last evaluated: 2024-07-24. Review status: criteria provided, single submitter. Criteria: ACMG Guidelines, 2015. Collection method: clinical testing. Allele origin: germline.

Labcorp Genetics (formerly Invitae), Labcorp
Classification: Uncertain significance for Primary ciliary dyskinesia. Last evaluated: 2022-08-31. Review status: criteria provided, single submitter. Criteria: Invitae Variant Classification Sherloc (09022015). Collection method: clinical testing. Allele origin: germline.
Comment: This sequence change replaces valine, which is neutral and non-polar, with methionine, which is neutral and non-polar, at codon 399 of the DNAI1 protein (p.Val399Met). This variant is present in population databases (rs150261456, gnomAD 0.09%). This variant has not been reported in the literature in individuals affected with DNAI1-related conditions. ClinVar contains an entry for this variant (Variation ID: 366690). Algorithms developed to predict the effect of missense changes on protein structure and function (SIFT, PolyPhen-2, Align-GVGD) all suggest that this variant is likely to be tolerated. In summary, the available evidence is currently insufficient to determine the role of this variant in disease. Therefore, it has been classified as a Variant of Uncertain Significance.

Ambry Genetics
Classification: Likely benign for Primary ciliary dyskinesia. Last evaluated: 2022-03-07. Review status: criteria provided, single submitter. Criteria: Ambry Variant Classification Scheme 2023. Collection method: clinical testing. Allele origin: germline.

Fulgent Genetics
Classification: Uncertain significance for Kartagener syndrome. Last evaluated: 2021-07-02. Review status: criteria provided, single submitter. Criteria: ACMG Guidelines, 2015. Collection method: clinical testing. Allele origin: unknown.

Illumina Laboratory Services, Illumina
Classification: Uncertain significance for Kartagener syndrome. Last evaluated: 2018-01-13. Review status: criteria provided, single submitter. Criteria: ICSL Variant Classification Criteria 13 December 2019. Collection method: clinical testing. Allele origin: germline.

Natera, Inc.
Classification: Uncertain significance for Primary ciliary dyskinesia. Last evaluated: 2019-10-28. Review status: no assertion criteria provided. Collection method: clinical testing. Allele origin: germline. Not counted in ClinVar's aggregate classification.

NM_012144.4(DNAI1):c.1195G>A (p.Val399Met)

Gene: DNAI1 (dynein axonemal intermediate chain 1; plus strand). Cytogenetic location: 9p13.3.
Variant type: single nucleotide variant.
Coding change: c.1195G>A on transcript NM_012144.4 (MANE Select); coding-DNA position 1195, G replaced by A.
Protein change: p.Val399Met; replaces valine 399 with methionine.
Molecular consequence: missense variant.
Genome position (GRCh38, 1-based): chr9:34,506,758, G>A. VCF-style: chr9-34506758-G-A. GRCh37 (hg19) VCF-style: chr9-34506756-G-A.
Other names: c.1207G>A, p.Val403Met (NM_001281428.2); c.1195G>A (NM_012144.2); short protein forms V399M, V403M.
Identifiers: ClinVar variation 366690 (VCV000366690.15), dbSNP rs150261456, ClinGen allele CA5034317.